The following is an entry in ClinVar:

NM_001267550.2(TTN):c.70761G>T (p.Gly23587=)

Genes: TTN (titin; minus strand), TTN-AS1 (TTN antisense RNA 1; plus strand). Cytogenetic location: 2q31.2.
Variant type: single nucleotide variant.
Coding change: c.70761G>T on transcript NM_001267550.2 (MANE Select); coding-DNA position 70761, G replaced by T.
Protein change: p.Gly23587=; no amino-acid change (glycine 23587 retained).
Molecular consequence: synonymous variant.
Genome position (GRCh38, 1-based): chr2:178,575,371, C>A on the plus strand (G>T on the coding strand, the complement: TTN is on the minus strand). VCF-style: chr2-178575371-C-A. GRCh37 (hg19) VCF-style: chr2-179440098-C-A.
Other names: c.70761G>T (NM_001267550.1); c.65838G>T, p.Gly21946= (NM_001256850.1); c.43566G>T, p.Gly14522= (NM_003319.4); c.63057G>T, p.Gly21019= (NM_133378.4); c.43941G>T, p.Gly14647= (NM_133432.3); c.44142G>T, p.Gly14714= (NM_133437.4).
Identifiers: ClinVar variation 467436 (VCV000467436.16), dbSNP rs190149868, ClinGen allele CA1990728.
Genomic context (GRCh38, chr2:178,575,371, plus strand): 5'-TGCCATCACTTGGAAGGTATATTCCTCTCCTTCAGTTAGATTCCTCACAACACATTCTAA[C>A]CCTTTCACGGTTGTGATGTGGGTCCACTGGTCAGAGCCTTTTCTTTGGGCTTCAATCACA-3'
Protein context (NP_001254479.2, residues 23577-23597): DQWTHITTVK[Gly23587=]LECVVRNLTE

ClinVar aggregate classification (germline): Benign/Likely benign. Review status: criteria provided, multiple submitters, no conflicts (2 of 4 stars). 4 submissions from 4 submitters: Benign (2); Likely benign (2). Last evaluated 2026-01-07.

Conditions:
Autosomal recessive limb-girdle muscular dystrophy type 2J (LGMDR10). Also called: MUSCULAR DYSTROPHY, LIMB-GIRDLE, AUTOSOMAL RECESSIVE 10; Limb-girdle muscular dystrophy, type 2J. Identifiers: Orphanet 140922, MedGen C1837342, MONDO:0012127, OMIM 608807.
Dilated cardiomyopathy 1G (CMD1G). Identifiers: Orphanet 154, MedGen C1858763, MONDO:0011400, OMIM 604145.
Cardiovascular phenotype. Identifiers: MedGen CN230736.

Allele frequency attached by ClinVar (database versions not stated): TOPMed 0.00006; ESP Exome Variant Server 0.00016; 1000 Genomes Project 30x 0.00094; 1000 Genomes Project 0.00120; ExAC 0.00190; gnomAD 0.00202 and 0.00215.
gnomAD v4.1: 1,605 of 1,613,616 alleles (0.099%); highest among the groups gnomAD compares: Non-Finnish European, 0.0075%; 22 homozygotes.

Submissions (4):

Labcorp Genetics (formerly Invitae), Labcorp
Classification: Benign for Dilated cardiomyopathy 1G; Autosomal recessive limb-girdle muscular dystrophy type 2J. Last evaluated: 2026-01-07. Review status: criteria provided, single submitter. Criteria: Invitae Variant Classification Sherloc (09022015). Collection method: clinical testing. Allele origin: germline.

Blueprint Genetics
Classification: Likely benign. Last evaluated: 2024-11-06. Review status: criteria provided, single submitter. Criteria: ACMG Guidelines, 2015. Collection method: clinical testing. Allele origin: germline.

GeneDx
Classification: Likely benign. Last evaluated: 2021-11-23. Review status: criteria provided, single submitter. Criteria: GeneDx Variant Classification Process June 2021. Collection method: clinical testing. Allele origin: germline. Affected: yes.
Comment: See Variant Classification Assertion Criteria.

Ambry Genetics
Classification: Benign for Cardiovascular phenotype. Last evaluated: 2021-09-02. Review status: criteria provided, single submitter. Criteria: Ambry Variant Classification Scheme 2023. Collection method: clinical testing. Allele origin: germline.